The following is an entry in ClinVar:

ClinVar aggregate classification (germline): Conflicting classifications of pathogenicity. Review status: criteria provided, conflicting classifications (1 of 4 stars). 6 submissions from 6 submitters: Uncertain significance (2); Likely benign (3). 1 of the submissions does not count toward it. Last evaluated 2024-12-06.

Conditions:
Fanconi anemia (FA). Also called: Fanconi's anemia. Identifiers: Orphanet 84, MedGen C0015625, MeSH D005199, MONDO:0019391.
FANCM-related disorder. Also called: FANCM-related condition.
Inborn genetic diseases. Identifiers: MedGen C0950123, MeSH D030342.

Allele frequency attached by ClinVar (database versions not stated): gnomAD exomes below 0.00001; TOPMed below 0.00001.
gnomAD v4.1: 6 of 1,612,596 alleles (0.00037%); highest among the groups gnomAD compares: Middle Eastern, 0.017%; no homozygotes.

Submissions (6):

Ambry Genetics
Classification: Likely benign for Inborn genetic diseases. Last evaluated: 2024-12-06. Review status: criteria provided, single submitter. Criteria: Ambry Variant Classification Scheme 2023. Collection method: clinical testing. Allele origin: germline.

Quest Diagnostics Nichols Institute San Juan Capistrano
Classification: Uncertain significance. Last evaluated: 2024-06-24. Review status: criteria provided, single submitter. Criteria: Quest Diagnostics criteria. Collection method: clinical testing. Allele origin: unknown.
Comment: The FANCM c.4005A>G (p.Lys1335=) synonymous variant has not been reported in individuals with FANCM-related conditions in the published literature. It also has not been reported in large, multi-ethnic general populations (Genome Aggregation Database). Analysis of this variant using software algorithms for the prediction of the effect of nucleotide changes on splicing yielded predictions that this variant does not affect FANCM mRNA splicing. Based on the available information, we are unable to determine the clinical significance of this variant.

Labcorp Genetics (formerly Invitae), Labcorp
Classification: Likely benign for Fanconi anemia. Last evaluated: 2023-07-10. Review status: criteria provided, single submitter. Criteria: Invitae Variant Classification Sherloc (09022015). Collection method: clinical testing. Allele origin: germline.

Blueprint Genetics
Classification: Likely benign. Last evaluated: 2021-04-09. Review status: criteria provided, single submitter. Criteria: ACMG Guidelines, 2015. Collection method: clinical testing. Allele origin: germline.

Genetic Services Laboratory, University of Chicago
Classification: Uncertain significance. Last evaluated: 2020-09-08. Review status: criteria provided, single submitter. Criteria: ACMG Guidelines, 2015. Collection method: clinical testing. Allele origin: germline. Affected: no.

PreventionGenetics, part of Exact Sciences
Classification: Likely benign for FANCM-related condition. Last evaluated: 2023-12-14. Review status: no assertion criteria provided. Collection method: clinical testing. Allele origin: germline. Not counted in ClinVar's aggregate classification.
Comment: This variant is classified as likely benign based on ACMG/AMP sequence variant interpretation guidelines (Richards et al. 2015 PMID: 25741868, with internal and published modifications).

NM_020937.4(FANCM):c.4005A>G (p.Lys1335=)

Gene: FANCM (FA complementation group M; plus strand). Cytogenetic location: 14q21.2.
Variant type: single nucleotide variant.
Coding change: c.4005A>G on transcript NM_020937.4 (MANE Select); coding-DNA position 4005, A replaced by G.
Protein change: p.Lys1335=; no amino-acid change (lysine 1335 retained).
Molecular consequence: synonymous variant.
Genome position (GRCh38, 1-based): chr14:45,176,759, A>G. VCF-style: chr14-45176759-A-G. GRCh37 (hg19) VCF-style: chr14-45645962-A-G.
Other names: c.3927A>G, p.Lys1309= (NM_001308133.2); c.4005A>G (NM_020937.2).
Identifiers: ClinVar variation 1155586 (VCV001155586.17), dbSNP rs1888735204, ClinGen allele CA486347460.